The following is an entry in ClinVar:

NM_001171.6(ABCC6):c.3787G>A (p.Gly1263Arg)

Gene: ABCC6 (ATP binding cassette subfamily C member 6; minus strand). Cytogenetic location: 16p13.11.
Variant type: single nucleotide variant.
Coding change: c.3787G>A on transcript NM_001171.6 (MANE Select); coding-DNA position 3787, G replaced by A.
Protein change: p.Gly1263Arg; replaces glycine 1263 with arginine.
Molecular consequence: missense variant. On other transcripts: non-coding transcript variant (1).
Genome position (GRCh38, 1-based): chr16:16,157,758, C>T on the plus strand (G>A on the coding strand, the complement: ABCC6 is on the minus strand). VCF-style: chr16-16157758-C-T. GRCh37 (hg19) VCF-style: chr16-16251615-C-T.
Other names: c.3445G>A, p.Gly1149Arg (NM_001351800.1); short protein forms G1263R, G1149R.
Identifiers: ClinVar variation 433435 (VCV000433435.12), dbSNP rs760376992, ClinGen allele CA7925417.

ClinVar aggregate classification (germline): Conflicting classifications of pathogenicity. Review status: criteria provided, conflicting classifications (1 of 4 stars). 4 submissions from 4 submitters: Likely pathogenic (1); Uncertain significance (3). Last evaluated 2025-12-19.

Conditions:
Autosomal recessive inherited pseudoxanthoma elasticum (PXE). Identifiers: Orphanet 758, MedGen CN032334, MONDO:0009925, OMIM 264800.
Arterial calcification, generalized, of infancy, 2. Identifiers: Orphanet 51608, MedGen C3276161, MONDO:0013768, OMIM 614473.
Pseudoxanthoma elasticum, forme fruste. Also called: Pseudoxanthoma Elasticum, Incomplete; PSEUDOXANTHOMA ELASTICUM, HETEROZYGOUS. Identifiers: Orphanet 758, MedGen C1867450, MONDO:0008333, OMIM 177850.

Allele frequency attached by ClinVar (database versions not stated): gnomAD exomes 0.00002 and 0.00004; ExAC 0.00003; gnomAD 0.00004; TOPMed 0.00005.
gnomAD v4.1: 69 of 1,613,642 alleles (0.0043%); highest among the groups gnomAD compares: Non-Finnish European, 0.0051%; no homozygotes.

Submissions (4):

Labcorp Genetics (formerly Invitae), Labcorp
Classification: Likely pathogenic. Last evaluated: 2025-12-19. Review status: criteria provided, single submitter. Criteria: Invitae Variant Classification Sherloc (09022015). Collection method: clinical testing. Allele origin: germline.
Comment: This sequence change replaces glycine, which is neutral and non-polar, with arginine, which is basic and polar, at codon 1263 of the ABCC6 protein (p.Gly1263Arg). This variant is present in population databases (rs760376992, gnomAD 0.005%). This missense change has been observed in individual(s) with pseudoxanthoma elasticum (PMID: 18157818). ClinVar contains an entry for this variant (Variation ID: 433435). Invitae Evidence Modeling of protein sequence and biophysical properties (such as structural, functional, and spatial information, amino acid conservation, physicochemical variation, residue mobility, and thermodynamic stability) indicates that this missense variant is expected to disrupt ABCC6 protein function with a positive predictive value of 95%. In summary, the currently available evidence indicates that the variant is pathogenic, but additional data are needed to prove that conclusively. Therefore, this variant has been classified as Likely Pathogenic.

Blueprint Genetics
Classification: Uncertain significance. Last evaluated: 2022-03-01. Review status: criteria provided, single submitter. Criteria: ACMG Guidelines, 2015. Collection method: clinical testing. Allele origin: germline.

Fulgent Genetics
Classification: Uncertain significance for Pseudoxanthoma elasticum, forme fruste; Autosomal recessive inherited pseudoxanthoma elasticum; Arterial calcification, generalized, of infancy, 2. Last evaluated: 2021-12-17. Review status: criteria provided, single submitter. Criteria: ACMG Guidelines, 2015. Collection method: clinical testing. Allele origin: unknown.

PXE International
Classification: Uncertain significance for Autosomal recessive inherited pseudoxanthoma elasticum. Last evaluated: 2021-02-16. Review status: criteria provided, single submitter. Criteria: Submitter's publication. Collection method: research. Allele origin: germline. Inheritance: Autosomal recessive inheritance. Affected: yes.

Literature cited by the submitters: PubMed 18157818 (cited by Labcorp Genetics (formerly Invitae), Labcorp); PubMed 32873932 (cited by PXE International).